The following is an entry in ClinVar:

NM_001458.5(FLNC):c.1003A>G (p.Thr335Ala)

Gene: FLNC (filamin C; plus strand). Cytogenetic location: 7q32.1.
Variant type: single nucleotide variant.
Coding change: c.1003A>G on transcript NM_001458.5 (MANE Select); coding-DNA position 1003, A replaced by G.
Protein change: p.Thr335Ala; replaces threonine 335 with alanine.
Molecular consequence: missense variant.
Genome position (GRCh38, 1-based): chr7:128,838,020, A>G. VCF-style: chr7-128838020-A-G. GRCh37 (hg19) VCF-style: chr7-128478074-A-G.
Other names: c.1003A>G, p.Thr335Ala (NM_001127487.2); short protein forms T335A.
Identifiers: ClinVar variation 2441485 (VCV002441485.7), dbSNP rs1391359143, ClinGen allele CA369223372.

ClinVar aggregate classification (germline): Uncertain significance. Review status: criteria provided, multiple submitters, no conflicts (2 of 4 stars). 3 submissions from 3 submitters: Uncertain significance (3). Last evaluated 2025-05-22.

Conditions:
Myofibrillar myopathy 5. Also called: Filaminopathy (type); FILAMINOPATHY, AUTOSOMAL DOMINANT. Identifiers: Orphanet 171445, MedGen C1836050, MONDO:0012289, OMIM 609524.
Distal myopathy with posterior leg and anterior hand involvement. Also called: WILLIAMS DISTAL MYOPATHY. Identifiers: Orphanet 63273, MedGen C3279722, MONDO:0013550, OMIM 614065.
Hypertrophic cardiomyopathy 26. Also called: Cardiomyopathy, familial hypertrophic, 26. Identifiers: Orphanet 75249, MedGen C4310749, MONDO:0014883, OMIM 617047.

Allele frequency attached by ClinVar (database versions not stated): gnomAD exomes below 0.00001; TOPMed below 0.00001; gnomAD 0.00001.
gnomAD v4.1: 6 of 1,613,924 alleles (0.00037%); highest among the groups gnomAD compares: South Asian, 0.0055%; no homozygotes.

Submissions (3):

Labcorp Genetics (formerly Invitae), Labcorp
Classification: Uncertain significance for Distal myopathy with posterior leg and anterior hand involvement; Myofibrillar myopathy 5; Hypertrophic cardiomyopathy 26. Last evaluated: 2025-05-22. Review status: criteria provided, single submitter. Criteria: Invitae Variant Classification Sherloc (09022015). Collection method: clinical testing. Allele origin: germline.
Comment: This sequence change replaces threonine, which is neutral and polar, with alanine, which is neutral and non-polar, at codon 335 of the FLNC protein (p.Thr335Ala). This variant is present in population databases (no rsID available, gnomAD 0.0009%). This variant has not been reported in the literature in individuals affected with FLNC-related conditions. ClinVar contains an entry for this variant (Variation ID: 2441485). Invitae Evidence Modeling of protein sequence and biophysical properties (such as structural, functional, and spatial information, amino acid conservation, physicochemical variation, residue mobility, and thermodynamic stability) has been performed for this missense variant. However, the output from this modeling did not meet the statistical confidence thresholds required to predict the impact of this variant on FLNC protein function. In summary, the available evidence is currently insufficient to determine the role of this variant in disease. Therefore, it has been classified as a Variant of Uncertain Significance.

Blueprint Genetics
Classification: Uncertain significance. Last evaluated: 2024-09-19. Review status: criteria provided, single submitter. Criteria: ACMG Guidelines, 2015. Collection method: clinical testing. Allele origin: germline.

Revvity Omics, Revvity
Classification: Uncertain significance. Last evaluated: 2020-03-06. Review status: criteria provided, single submitter. Criteria: ACMG Guidelines, 2015. Collection method: clinical testing. Allele origin: germline.